The following is an entry in ClinVar:

NM_006009.4(TUBA1A):c.284G>A (p.Gly95Asp)

Gene: TUBA1A (tubulin alpha 1a; minus strand). Cytogenetic location: 12q13.12.
Variant type: single nucleotide variant.
Coding change: c.284G>A on transcript NM_006009.4 (MANE Select); coding-DNA position 284, G replaced by A.
Protein change: p.Gly95Asp; replaces glycine 95 with aspartic acid.
Molecular consequence: missense variant.
Genome position (GRCh38, 1-based): chr12:49,186,401, C>T on the plus strand (G>A on the coding strand, the complement: TUBA1A is on the minus strand). VCF-style: chr12-49186401-C-T. GRCh37 (hg19) VCF-style: chr12-49580184-C-T.
Other names: c.284G>A, p.Gly95Asp (NM_001270399.2); c.179G>A, p.Gly60Asp (NM_001270400.2); short protein forms G60D, G95D.
Identifiers: ClinVar variation 2578682 (VCV002578682.25), dbSNP rs2498862501, ClinGen allele CA384643480.
Genomic context (GRCh38, chr12:49,186,401, plus strand): 5'-ATGATCTCCTTGCCAATGGTGTAGTGCCCTCGGGCATAGTTATTGGCAGCATCTTCTTTG[C>T]CTGTGATAAGTTGCTCAGGGTGGAAGAGCTGGCGGTAGGTGCCAGTGCGAACTTCATCTG-3'
Protein context (NP_006000.2, residues 85-105): QLFHPEQLIT[Gly95Asp]KEDAANNYAR

ClinVar aggregate classification (germline): Likely pathogenic (1 of 4 stars; one submission).

Submission:

CeGaT Center for Human Genetics Tuebingen
Classification: Likely pathogenic. Last evaluated: 2023-07-01. Review status: criteria provided, single submitter. Criteria: CeGaT Center For Human Genetics Tuebingen Variant Classification Criteria Version 2. Collection method: clinical testing. Allele origin: germline. Affected: yes. Observed: 1 variant allele.
Comment: TUBA1A: PM2, PM5, PP2, PP3, PP4